The following is an entry in ClinVar:

ClinVar aggregate classification (germline): Likely benign. Review status: criteria provided, multiple submitters, no conflicts (2 of 4 stars). 2 submissions from 2 submitters: Likely benign (2). Last evaluated 2026-07-01.

Allele frequency attached by ClinVar (database versions not stated): ESP Exome Variant Server 0.00086; 1000 Genomes Project 0.00120; 1000 Genomes Project 30x 0.00141; gnomAD 0.00241; ExAC 0.00296.
gnomAD v4.1: 2,595 of 1,119,064 alleles (0.23%); highest among the groups gnomAD compares: Middle Eastern, 0.76%; 3 homozygotes.

Submissions (2):

CeGaT Center for Human Genetics Tuebingen
Classification: Likely benign. Last evaluated: 2026-07-01. Review status: criteria provided, single submitter. Criteria: CeGaT Center For Human Genetics Tuebingen Variant Classification Criteria Version 2. Collection method: clinical testing. Allele origin: germline. Affected: yes. Observed: 9 variant alleles.
Comment: HYDIN: BP4, BP7

Blueprint Genetics
Classification: Likely benign. Last evaluated: 2024-11-27. Review status: criteria provided, single submitter. Criteria: ACMG Guidelines, 2015. Collection method: clinical testing. Allele origin: germline.

NM_001270974.2(HYDIN):c.5878C>T (p.Leu1960=)

Gene: HYDIN (HYDIN axonemal central pair apparatus protein; minus strand). Cytogenetic location: 16q22.2.
Variant type: single nucleotide variant.
Coding change: c.5878C>T on transcript NM_001270974.2 (MANE Select); coding-DNA position 5878, C replaced by T.
Protein change: p.Leu1960=; no amino-acid change (leucine 1960 retained).
Molecular consequence: synonymous variant.
Genome position (GRCh38, 1-based): chr16:70,962,049, G>A on the plus strand (C>T on the coding strand, the complement: HYDIN is on the minus strand). VCF-style: chr16-70962049-G-A. GRCh37 (hg19) VCF-style: chr16-70995952-G-A.
Identifiers: ClinVar variation 2646763 (VCV002646763.25), dbSNP rs201827020, ClinGen allele CA8150447.
Genomic context (GRCh38, chr16:70,962,049, plus strand): 5'-CATCCTCCTCTTCCTCTAGGTAGGTTTTGGACTCGACCAACAGGGCGTGCCATTCTTCCA[G>A]GTTGGATGTGACAGAGATCCCTCGGCTCAGCGATGTCCTCTTTGTGCTATTGGAGGTTCC-3'
Protein context (NP_001257903.1, residues 1950-1970): LSRGISVTSN[Leu1960=]EEWHALLVES